The following is an entry in ClinVar:

ClinVar aggregate classification (germline): Uncertain significance. Review status: criteria provided, multiple submitters, no conflicts (2 of 4 stars). 3 submissions from 3 submitters: Uncertain significance (3). Last evaluated 2024-05-22.

Conditions:
Cardiovascular phenotype. Identifiers: MedGen CN230736.
Hypertrophic cardiomyopathy 26. Also called: Cardiomyopathy, familial hypertrophic, 26. Identifiers: Orphanet 75249, MedGen C4310749, MONDO:0014883, OMIM 617047.
Distal myopathy with posterior leg and anterior hand involvement. Also called: WILLIAMS DISTAL MYOPATHY. Identifiers: Orphanet 63273, MedGen C3279722, MONDO:0013550, OMIM 614065.
Myofibrillar myopathy 5. Also called: FILAMINOPATHY, AUTOSOMAL DOMINANT; Filaminopathy (type). Identifiers: Orphanet 171445, MedGen C1836050, MONDO:0012289, OMIM 609524.

Allele frequency attached by ClinVar (database versions not stated): gnomAD exomes below 0.00001; TOPMed below 0.00001; gnomAD 0.00001.
gnomAD v4.1: 3 of 1,613,830 alleles (0.00019%); highest among the groups gnomAD compares: Non-Finnish European, 0.00025%; no homozygotes.

Submissions (3):

GeneDx
Classification: Uncertain significance. Last evaluated: 2024-05-22. Review status: criteria provided, single submitter. Criteria: GeneDx Variant Classification Process June 2021. Collection method: clinical testing. Allele origin: germline. Affected: yes.
Comment: Has not been previously published as pathogenic or benign to our knowledge; Not observed at significant frequency in large population cohorts (gnomAD); In silico analysis supports that this missense variant has a deleterious effect on protein structure/function

Ambry Genetics
Classification: Uncertain significance for Cardiovascular phenotype. Last evaluated: 2024-04-23. Review status: criteria provided, single submitter. Criteria: Ambry Variant Classification Scheme 2023. Collection method: clinical testing. Allele origin: germline.
Comment: The p.G1089E variant (also known as c.3266G>A), located in coding exon 21 of the FLNC gene, results from a G to A substitution at nucleotide position 3266. The glycine at codon 1089 is replaced by glutamic acid, an amino acid with similar properties. This amino acid position is conserved. In addition, this alteration is predicted to be deleterious by in silico analysis. Based on the available evidence, the clinical significance of this variant remains unclear.

Labcorp Genetics (formerly Invitae), Labcorp
Classification: Uncertain significance for Distal myopathy with posterior leg and anterior hand involvement; Myofibrillar myopathy 5; Hypertrophic cardiomyopathy 26. Last evaluated: 2021-10-14. Review status: criteria provided, single submitter. Criteria: Invitae Variant Classification Sherloc (09022015). Collection method: clinical testing. Allele origin: germline.
Comment: This variant has not been reported in the literature in individuals affected with FLNC-related conditions. Algorithms developed to predict the effect of missense changes on protein structure and function are either unavailable or do not agree on the potential impact of this missense change (SIFT: "Deleterious"; PolyPhen-2: "Probably Damaging"; Align-GVGD: "Class C0"). In summary, the available evidence is currently insufficient to determine the role of this variant in disease. Therefore, it has been classified as a Variant of Uncertain Significance. This variant is not present in population databases (ExAC no frequency). This sequence change replaces glycine with glutamic acid at codon 1089 of the FLNC protein (p.Gly1089Glu). The glycine residue is moderately conserved and there is a moderate physicochemical difference between glycine and glutamic acid.

NM_001458.5(FLNC):c.3266G>A (p.Gly1089Glu)

Gene: FLNC (filamin C; plus strand). Cytogenetic location: 7q32.1.
Variant type: single nucleotide variant.
Coding change: c.3266G>A on transcript NM_001458.5 (MANE Select); coding-DNA position 3266, G replaced by A.
Protein change: p.Gly1089Glu; replaces glycine 1089 with glutamic acid.
Molecular consequence: missense variant.
Genome position (GRCh38, 1-based): chr7:128,844,731, G>A. VCF-style: chr7-128844731-G-A. GRCh37 (hg19) VCF-style: chr7-128484785-G-A.
Other names: c.3266G>A (NM_001458.4); c.3266G>A, p.Gly1089Glu (NM_001127487.2); short protein forms G1089E.
Identifiers: ClinVar variation 1016402 (VCV001016402.9), dbSNP rs1258543242, ClinGen allele CA369196336.
Genomic context (GRCh38, chr7:128,844,731, plus strand): 5'-GCCCGGGTCTCAAGGGTGGACTGGTAGGCACCCCCGCGCCATTCTCCATCGACACCAAGG[G>A]GGCTGGCACAGGTGGCCTGGGGCTGACCGTAGAGGGCCCCTGCGAGGCCAAGATCGAGTG-3'
Protein context (NP_001449.3, residues 1079-1099): TPAPFSIDTK[Gly1089Glu]AGTGGLGLTV